The following is an entry in ClinVar:

ClinVar aggregate classification (germline): Likely benign (1 of 4 stars; one submission).

gnomAD v4.1: 23 of 1,614,130 alleles (0.0014%); highest among the groups gnomAD compares: South Asian, 0.02%; no homozygotes.

Submission:

CeGaT Center for Human Genetics Tuebingen
Classification: Likely benign. Last evaluated: 2026-09-01. Review status: criteria provided, single submitter. Criteria: CeGaT Center For Human Genetics Tuebingen Variant Classification Criteria Version 2. Collection method: clinical testing. Allele origin: germline. Affected: yes. Observed: 1 variant allele.
Comment: TRAPPC9: BP4, BP7

NM_001160372.4(TRAPPC9):c.1305G>A (p.Thr435=)

Gene: TRAPPC9 (trafficking protein particle complex subunit 9; minus strand). Cytogenetic location: 8q24.3.
Variant type: single nucleotide variant.
Coding change: c.1305G>A on transcript NM_001160372.4 (MANE Select); coding-DNA position 1305, G replaced by A.
Protein change: p.Thr435=; no amino-acid change (threonine 435 retained).
Molecular consequence: synonymous variant. On other transcripts: non-coding transcript variant (1).
Genome position (GRCh38, 1-based): chr8:140,371,010, C>T on the plus strand (G>A on the coding strand, the complement: TRAPPC9 is on the minus strand). VCF-style: chr8-140371010-C-T. GRCh37 (hg19) VCF-style: chr8-141381109-C-T.
Other names: c.1278G>A, p.Thr426= (NM_001321646.2); c.1326G>A, p.Thr442= (NM_001374682.1); c.1305G>A, p.Thr435= (NM_001374683.1, NM_001374684.1, NM_031466.8).
Identifiers: ClinVar variation 5041807 (VCV005041807.1).